The following is an entry in ClinVar:

NM_001378454.1(ALMS1):c.6629A>T (p.Asn2210Ile)

Gene: ALMS1 (ALMS1 centrosome and basal body associated protein; plus strand). Cytogenetic location: 2p13.1.
Variant type: single nucleotide variant.
Coding change: c.6629A>T on transcript NM_001378454.1 (MANE Select); coding-DNA position 6629, A replaced by T.
Protein change: p.Asn2210Ile; replaces asparagine 2210 with isoleucine.
Molecular consequence: missense variant.
Genome position (GRCh38, 1-based): chr2:73,453,156, A>T. VCF-style: chr2-73453156-A-T. GRCh37 (hg19) VCF-style: chr2-73680283-A-T.
Other names: c.6632A>T, p.Asn2211Ile (NM_015120.4); short protein forms N2210I, N2211I.
Identifiers: ClinVar variation 1337449 (VCV001337449.7), dbSNP rs1026749292, ClinGen allele CA50397974.
Genomic context (GRCh38, chr2:73,453,156, plus strand): 5'-CACATGGTGAGAATCACAAGCTTGTTTCAGAACATGTCCAAAGGCTAATAGATAATTTGA[A>T]TTCTTCTGACTCCAGTGTTAGCTCAAATAATGTGCTTTTAAATTCTCAGGCTGATGACAG-3'
Protein context (NP_001365383.1, residues 2200-2220): EHVQRLIDNL[Asn2210Ile]SSDSSVSSNN

ClinVar aggregate classification (germline): Uncertain significance. Review status: criteria provided, multiple submitters, no conflicts (2 of 4 stars). 3 submissions from 3 submitters: Uncertain significance (3). Last evaluated 2022-05-21.

Conditions:
Cardiovascular phenotype. Identifiers: MedGen CN230736.
Alstrom syndrome (ALMS). Identifiers: Orphanet 64, MedGen C0268425, MONDO:0008763, OMIM 203800.

Allele frequency attached by ClinVar (database versions not stated): gnomAD 0.00001; TOPMed 0.00001.
gnomAD v4.1: 1 of 1,613,970 alleles (0.000062%); highest among the groups gnomAD compares: African/African-American, 0.0013%; no homozygotes.

Submissions (3):

Labcorp Genetics (formerly Invitae), Labcorp
Classification: Uncertain significance for Alstrom syndrome. Last evaluated: 2022-05-21. Review status: criteria provided, single submitter. Criteria: Invitae Variant Classification Sherloc (09022015). Collection method: clinical testing. Allele origin: germline.
Comment: This sequence change replaces asparagine, which is neutral and polar, with isoleucine, which is neutral and non-polar, at codon 2211 of the ALMS1 protein (p.Asn2211Ile). This variant is not present in population databases (gnomAD no frequency). This variant has not been reported in the literature in individuals affected with ALMS1-related conditions. ClinVar contains an entry for this variant (Variation ID: 1337449). Experimental studies and prediction algorithms are not available or were not evaluated, and the functional significance of this variant is currently unknown. In summary, the available evidence is currently insufficient to determine the role of this variant in disease. Therefore, it has been classified as a Variant of Uncertain Significance.

Ambry Genetics
Classification: Uncertain significance for Cardiovascular phenotype. Last evaluated: 2021-04-07. Review status: criteria provided, single submitter. Criteria: Ambry Variant Classification Scheme 2023. Collection method: clinical testing. Allele origin: germline.
Comment: The p.N2211I variant (also known as c.6632A>T), located in coding exon 8 of the ALMS1 gene, results from an A to T substitution at nucleotide position 6632. The asparagine at codon 2211 is replaced by isoleucine, an amino acid with dissimilar properties. This amino acid position is poorly conserved in available vertebrate species. In addition, this alteration is predicted to be tolerated by in silico analysis. Since supporting evidence is limited at this time, the clinical significance of this alteration remains unclear.

Genetic Services Laboratory, University of Chicago
Classification: Uncertain significance. Last evaluated: 2019-12-03. Review status: criteria provided, single submitter. Criteria: ACMG Guidelines, 2015. Collection method: clinical testing. Allele origin: germline. Affected: no.